The following is an entry in ClinVar:

NM_003737.4(DCHS1):c.1939G>A (p.Asp647Asn)

Gene: DCHS1 (dachsous cadherin-related 1; minus strand). Cytogenetic location: 11p15.4.
Variant type: single nucleotide variant.
Coding change: c.1939G>A on transcript NM_003737.4 (MANE Select); coding-DNA position 1939, G replaced by A.
Protein change: p.Asp647Asn; replaces aspartic acid 647 with asparagine.
Molecular consequence: missense variant.
Genome position (GRCh38, 1-based): chr11:6,634,165, C>T on the plus strand (G>A on the coding strand, the complement: DCHS1 is on the minus strand). VCF-style: chr11-6634165-C-T. GRCh37 (hg19) VCF-style: chr11-6655396-C-T.
Other names: c.1939G>A (NM_003737.2); short protein forms D647N.
Identifiers: ClinVar variation 1707930 (VCV001707930.6), dbSNP rs370327527, ClinGen allele CA217299677.

ClinVar aggregate classification (germline): Uncertain significance. Review status: criteria provided, multiple submitters, no conflicts (2 of 4 stars). 3 submissions from 3 submitters: Uncertain significance (3). Last evaluated 2025-07-27.

Conditions:
Inborn genetic diseases. Identifiers: MedGen C0950123, MeSH D030342.

Allele frequency attached by ClinVar (database versions not stated): gnomAD exomes 0.00001; TOPMed 0.00001; gnomAD 0.00001; ESP Exome Variant Server 0.00008.
gnomAD v4.1: 13 of 1,611,734 alleles (0.00081%); highest among the groups gnomAD compares: Non-Finnish European, 0.0011%; no homozygotes.

Submissions (3):

Labcorp Genetics (formerly Invitae), Labcorp
Classification: Uncertain significance. Last evaluated: 2025-07-27. Review status: criteria provided, single submitter. Criteria: Invitae Variant Classification Sherloc (09022015). Collection method: clinical testing. Allele origin: germline.
Comment: This sequence change replaces aspartic acid, which is acidic and polar, with asparagine, which is neutral and polar, at codon 647 of the DCHS1 protein (p.Asp647Asn). This variant is not present in population databases (gnomAD no frequency). This variant has not been reported in the literature in individuals affected with DCHS1-related conditions. ClinVar contains an entry for this variant (Variation ID: 1707930). Invitae Evidence Modeling of protein sequence and biophysical properties (such as structural, functional, and spatial information, amino acid conservation, physicochemical variation, residue mobility, and thermodynamic stability) indicates that this missense variant is not expected to disrupt DCHS1 protein function with a negative predictive value of 80%. In summary, the available evidence is currently insufficient to determine the role of this variant in disease. Therefore, it has been classified as a Variant of Uncertain Significance.

Ambry Genetics
Classification: Uncertain significance for Inborn genetic diseases. Last evaluated: 2022-05-27. Review status: criteria provided, single submitter. Criteria: Ambry Variant Classification Scheme 2023. Collection method: clinical testing. Allele origin: germline.

GeneDx
Classification: Uncertain significance. Last evaluated: 2022-03-30. Review status: criteria provided, single submitter. Criteria: GeneDx Variant Classification Process June 2021. Collection method: clinical testing. Allele origin: germline. Affected: yes.